The following is an entry in ClinVar:

ClinVar aggregate classification (germline): Uncertain significance (1 of 4 stars; one submission).

Conditions:
Fanconi anemia (FA). Also called: Fanconi's anemia. Identifiers: Orphanet 84, MedGen C0015625, MeSH D005199, MONDO:0019391.

Allele frequency attached by ClinVar (database versions not stated): TOPMed 0.00001.

Submission:

Labcorp Genetics (formerly Invitae), Labcorp
Classification: Uncertain significance for Fanconi anemia. Last evaluated: 2022-08-28. Review status: criteria provided, single submitter. Criteria: Invitae Variant Classification Sherloc (09022015). Collection method: clinical testing. Allele origin: germline.
Comment: In summary, the available evidence is currently insufficient to determine the role of this variant in disease. Therefore, it has been classified as a Variant of Uncertain Significance. Algorithms developed to predict the effect of missense changes on protein structure and function output the following: SIFT: "Tolerated"; PolyPhen-2: "Benign"; Align-GVGD: "Class C0". The glutamic acid amino acid residue is found in multiple mammalian species, which suggests that this missense change does not adversely affect protein function. ClinVar contains an entry for this variant (Variation ID: 568114). This variant has not been reported in the literature in individuals affected with SLX4-related conditions. This variant is present in population databases (rs140844106, gnomAD 0.002%). This sequence change replaces aspartic acid, which is acidic and polar, with glutamic acid, which is acidic and polar, at codon 1612 of the SLX4 protein (p.Asp1612Glu).

NM_032444.4(SLX4):c.4836C>A (p.Asp1612Glu)

Gene: SLX4 (SLX4 structure-specific endonuclease subunit; minus strand). Cytogenetic location: 16p13.3.
Variant type: single nucleotide variant.
Coding change: c.4836C>A on transcript NM_032444.4 (MANE Select); coding-DNA position 4836, C replaced by A.
Protein change: p.Asp1612Glu; replaces aspartic acid 1612 with glutamic acid.
Molecular consequence: missense variant.
Genome position (GRCh38, 1-based): chr16:3,583,414, G>T on the plus strand (C>A on the coding strand, the complement: SLX4 is on the minus strand). VCF-style: chr16-3583414-G-T. GRCh37 (hg19) VCF-style: chr16-3633415-G-T.
Other names: c.4836C>A (LRG_503t1); short protein forms D1612E.
Identifiers: ClinVar variation 568114 (VCV000568114.6), dbSNP rs140844106, ClinGen allele CA7865497.
Genomic context (GRCh38, chr16:3,583,414, plus strand): 5'-CTGGGAGGCGAGGGTCTGGCAGTGAGGCGCCTGCAACAGCGGCTGTGAGGACTGGCTCTC[G>T]TCCTCGGAGTCTGAGTCCAGGGTCTGGTGAGTGTACTGGAATATCTCCTTCAGCTTCAGA-3'
Protein context (NP_115820.2, residues 1602-1622): THQTLDSDSE[Asp1612Glu]ESQSSQPLLQ